The following is an entry in ClinVar:

ClinVar aggregate classification (germline): Uncertain significance (1 of 4 stars; one submission).

Conditions:
KBG syndrome (KBGS). Also called: ANKRD11-Related KBG Syndrome. Identifiers: Orphanet 2332, MedGen C0220687, MONDO:0007846, OMIM 148050.

Submission:

Labcorp Genetics (formerly Invitae), Labcorp
Classification: Uncertain significance for KBG syndrome. Last evaluated: 2023-10-05. Review status: criteria provided, single submitter. Criteria: Invitae Variant Classification Sherloc (09022015). Collection method: clinical testing. Allele origin: germline.
Comment: This sequence change replaces alanine, which is neutral and non-polar, with methionine, which is neutral and non-polar, at codon 1481 of the ANKRD11 protein (p.Ala1481Met). The frequency data for this variant in the population databases is considered unreliable, as metrics indicate poor data quality at this position in the gnomAD database. This variant has not been reported in the literature in individuals affected with ANKRD11-related conditions. An algorithm developed to predict the effect of missense changes on protein structure and function (PolyPhen-2) suggests that this variant is likely to be tolerated. In summary, the available evidence is currently insufficient to determine the role of this variant in disease. Therefore, it has been classified as a Variant of Uncertain Significance.

NM_013275.6(ANKRD11):c.4441_4442delinsAT (p.Ala1481Met)

Gene: ANKRD11 (ankyrin repeat domain 11; minus strand). Cytogenetic location: 16q24.3.
Variant type: Indel.
Coding change: c.4441_4442delinsAT on transcript NM_013275.6 (MANE Select); coding-DNA positions 4441 to 4442, GC replaced by AT.
Protein change: p.Ala1481Met; replaces alanine 1481 with methionine.
Molecular consequence: missense variant.
Genome position (GRCh38, 1-based): chr16:89,282,100-89,282,101, GC replaced by AT on the plus strand (GC replaced by AT on the coding strand, the reverse complement: ANKRD11 is on the minus strand). VCF-style: chr16-89282100-GC-AT. GRCh37 (hg19) VCF-style: chr16-89348508-GC-AT.
Other names: c.4441_4442delinsAT, p.Ala1481Met (NM_001256182.2, NM_001256183.2); short protein forms A1481M.
Identifiers: ClinVar variation 2905649 (VCV002905649.3), dbSNP rs2544232718, ClinGen allele CA2739265542.